The following is an entry in ClinVar:

NM_001105206.3(LAMA4):c.3586A>G (p.Ile1196Val)

Gene: LAMA4 (laminin subunit alpha 4; minus strand). Cytogenetic location: 6q21.
Variant type: single nucleotide variant.
Coding change: c.3586A>G on transcript NM_001105206.3 (MANE Select); coding-DNA position 3586, A replaced by G.
Protein change: p.Ile1196Val; replaces isoleucine 1196 with valine.
Molecular consequence: missense variant.
Genome position (GRCh38, 1-based): chr6:112,133,459, T>C on the plus strand (A>G on the coding strand, the complement: LAMA4 is on the minus strand). VCF-style: chr6-112133459-T-C. GRCh37 (hg19) VCF-style: chr6-112454661-T-C.
Other names: c.3565A>G, p.Ile1189Val (NM_001105207.3, NM_002290.5); short protein forms I1189V, I1196V.
Identifiers: ClinVar variation 2496756 (VCV002496756.2), dbSNP rs1779160131, ClinGen allele CA365375709.
Genomic context (GRCh38, chr6:112,133,459, plus strand): 5'-CCAGTAAATTGAAGTCCTTCTTTTGGAACTGGAAGCCCTTCATGCATCCTCTGAAGTTGA[T>C]ATCTAGGGGAAGGTGTGCTCTGAGGGCCCTGGAAAAGAAAGTCAGCCTCACTGATACAGC-3'
Protein context (NP_001098676.2, residues 1186-1206): RALRAHLPLD[Ile1196Val]NFRGCMKGFQ

ClinVar aggregate classification (germline): Uncertain significance (1 of 4 stars; one submission).

Conditions:
Cardiovascular phenotype. Identifiers: MedGen CN230736.

Allele frequency attached by ClinVar (database versions not stated): gnomAD 0.00001.
gnomAD v4.1: 1 of 1,613,612 alleles (0.000062%); highest among the groups gnomAD compares: African/African-American, 0.0013%; no homozygotes.

Submission:

Ambry Genetics
Classification: Uncertain significance for Cardiovascular phenotype. Last evaluated: 2023-02-18. Review status: criteria provided, single submitter. Criteria: Ambry Variant Classification Scheme 2023. Collection method: clinical testing. Allele origin: germline.
Comment: The p.I1189V variant (also known as c.3565A>G), located in coding exon 26 of the LAMA4 gene, results from an A to G substitution at nucleotide position 3565. The isoleucine at codon 1189 is replaced by valine, an amino acid with highly similar properties. This amino acid position is conserved. In addition, this alteration is predicted to be tolerated by in silico analysis. Since supporting evidence is limited at this time, the clinical significance of this alteration remains unclear.